The following is an entry in ClinVar:

ClinVar aggregate classification (germline): Pathogenic (1 of 4 stars; one submission).

Conditions:
Argininosuccinate lyase deficiency. Also called: ARGININOSUCCINIC ACID LYASE DEFICIENCY; ASL DEFICIENCY; Argininosuccinic aciduria. Identifiers: Orphanet 23, MedGen C0268547, MONDO:0008815, OMIM 207900, HP:0025630.

Submission:

Labcorp Genetics (formerly Invitae), Labcorp
Classification: Pathogenic for Argininosuccinate lyase deficiency. Last evaluated: 2023-07-31. Review status: criteria provided, single submitter. Criteria: Invitae Variant Classification Sherloc (09022015). Collection method: clinical testing. Allele origin: germline.
Comment: For these reasons, this variant has been classified as Pathogenic. This variant has not been reported in the literature in individuals affected with ASL-related conditions. This variant is not present in population databases (gnomAD no frequency). This sequence change creates a premature translational stop signal (p.Asp367Argfs*6) in the ASL gene. It is expected to result in an absent or disrupted protein product. Loss-of-function variants in ASL are known to be pathogenic (PMID: 2263616, 24166829).

Literature cited by the submitters: PubMed 2263616; PubMed 24166829.

NM_000048.4(ASL):c.1098dup (p.Asp367fs)

Gene: ASL (argininosuccinate lyase; plus strand). Cytogenetic location: 7q11.21.
Variant type: Duplication.
Coding change: c.1098dup on transcript NM_000048.4 (MANE Select); coding-DNA position 1098, one base duplicated (C; older notation c.1098dupC).
Protein change: p.Asp367fs; shifts the reading frame from aspartic acid 367.
Molecular consequence: frameshift variant.
Genome position (GRCh38, 1-based): chr7:66,092,041, C duplicated; the last of 4 consecutive C bases (chr7:66,092,038-66,092,041); duplicating any one gives the same sequence. VCF-style (leftmost placement, unchanged base first): chr7-66092037-G-GC. GRCh37 (hg19) VCF-style: chr7-65557024-G-GC.
Other names: c.1098dup, p.Asp367fs (NM_001024943.2); c.1038dup, p.Asp347fs (NM_001024944.2); c.1020dup, p.Asp341fs (NM_001024946.2); short protein forms D367fs, D347fs, D341fs.
Identifiers: ClinVar variation 3005697 (VCV003005697.3), dbSNP rs2485028395, ClinGen allele CA2740097368.
Genomic context (GRCh38, chr7:66,092,037, plus strand): 5'-GCTCACCACTCGCCCACCTGTGCCCCCAGATTCACCAAGAGAACATGGGACAGGCTCTCA[G>GC]CCCCGACATGCTGGCCACTGACCTTGCCTATTACCTGGTCCGCAAAGGGGTAAGTGTGTA-3'